The following is an entry in ClinVar:

NM_020745.4(AARS2):c.119C>T (p.Ser40Leu)

Gene: AARS2 (alanyl-tRNA synthetase 2, mitochondrial; minus strand). Cytogenetic location: 6p21.1.
Variant type: single nucleotide variant.
Coding change: c.119C>T on transcript NM_020745.4 (MANE Select); coding-DNA position 119, C replaced by T.
Protein change: p.Ser40Leu; replaces serine 40 with leucine.
Molecular consequence: missense variant.
Genome position (GRCh38, 1-based): chr6:44,313,205, G>A on the plus strand (C>T on the coding strand, the complement: AARS2 is on the minus strand). VCF-style: chr6-44313205-G-A. GRCh37 (hg19) VCF-style: chr6-44280942-G-A.
Other names: short protein forms S40L.
Identifiers: ClinVar variation 1363840 (VCV001363840.9), dbSNP rs778971317, ClinGen allele CA364342142.
Genomic context (GRCh38, chr6:44,313,205, plus strand): 5'-GGCACCAGCCGGTGGCCATGGCGGTCCCGAAAGAAGTTCAGAAAGGCGGCCCTCACGGCC[G>A]AGGCCTTGGCTGCAGGGGGCTCCGATGAGAGCGGCCGATGGCTGAGGCCCCGCCATGCGG-3'
Protein context (NP_065796.2, residues 30-50): LSSEPPAAKA[Ser40Leu]AVRAAFLNFF

ClinVar aggregate classification (germline): Uncertain significance (1 of 4 stars; one submission).

gnomAD v4.1: 2 of 1,608,812 alleles (0.00012%); highest among the groups gnomAD compares: Non-Finnish European, 0.00017%; no homozygotes.

Submission:

Labcorp Genetics (formerly Invitae), Labcorp
Classification: Uncertain significance. Last evaluated: 2024-10-15. Review status: criteria provided, single submitter. Criteria: Invitae Variant Classification Sherloc (09022015). Collection method: clinical testing. Allele origin: germline.
Comment: This sequence change replaces serine, which is neutral and polar, with leucine, which is neutral and non-polar, at codon 40 of the AARS2 protein (p.Ser40Leu). This variant is not present in population databases (gnomAD no frequency). This variant has not been reported in the literature in individuals affected with AARS2-related conditions. ClinVar contains an entry for this variant (Variation ID: 1363840). Invitae Evidence Modeling of protein sequence and biophysical properties (such as structural, functional, and spatial information, amino acid conservation, physicochemical variation, residue mobility, and thermodynamic stability) indicates that this missense variant is not expected to disrupt AARS2 protein function with a negative predictive value of 80%. In summary, the available evidence is currently insufficient to determine the role of this variant in disease. Therefore, it has been classified as a Variant of Uncertain Significance.